The following is an entry in ClinVar:

ClinVar aggregate classification (germline): Uncertain significance (1 of 4 stars; one submission).

Conditions:
Hereditary cancer-predisposing syndrome. Also called: Neoplastic Syndromes, Hereditary; Tumor predisposition; Hereditary Cancer Syndrome; Hereditary neoplastic syndrome. Identifiers: Orphanet 140162, MedGen C0027672, MeSH D009386, MONDO:0015356.
Cardiovascular phenotype. Identifiers: MedGen CN230736.

Submission:

Ambry Genetics
Classification: Uncertain significance for Cardiovascular phenotype; Hereditary cancer-predisposing syndrome. Last evaluated: 2025-02-01. Review status: criteria provided, single submitter. Criteria: Ambry Variant Classification Scheme 2023. Collection method: clinical testing. Allele origin: germline.
Comment: The p.H819R variant (also known as c.2456A>G), located in coding exon 21 of the NF1 gene, results from an A to G substitution at nucleotide position 2456. The histidine at codon 819 is replaced by arginine, an amino acid with highly similar properties. This amino acid position is highly conserved in available vertebrate species. In addition, the in silico prediction for this alteration is inconclusive. Since supporting evidence is limited at this time, the clinical significance of this alteration remains unclear.

NM_001042492.3(NF1):c.2456A>G (p.His819Arg)

Gene: NF1 (neurofibromin 1; plus strand). Cytogenetic location: 17q11.2.
Variant type: single nucleotide variant.
Coding change: c.2456A>G on transcript NM_001042492.3 (MANE Select); coding-DNA position 2456, A replaced by G.
Protein change: p.His819Arg; replaces histidine 819 with arginine.
Molecular consequence: missense variant.
Genome position (GRCh38, 1-based): chr17:31,229,071, A>G. VCF-style: chr17-31229071-A-G. GRCh37 (hg19) VCF-style: chr17-29556089-A-G.
Other names: c.2456A>G, p.His819Arg (NM_000267.4); short protein forms H819R.
Identifiers: ClinVar variation 821307 (VCV000821307.5), dbSNP rs786202297, ClinGen allele CA398983944.
Genomic context (GRCh38, chr17:31,229,071, plus strand): 5'-AATTTTGTGTTTAGGCTGCTGAAAGCCTTCACAAGACCATTGTTAAGAGGCGAATGTCCC[A>G]TGTGAGTGGAGGAGGATCCATAGATTTGTCTGACACAGACTCCCTACAGGAATGGATCAA-3'
Protein context (NP_001035957.1, residues 809-829): HKTIVKRRMS[His819Arg]VSGGGSIDLS